The following is an entry in ClinVar:

ClinVar aggregate classification (germline): Uncertain significance (1 of 4 stars; one submission).

Conditions:
Marfan syndrome (MFS). Also called: MARFAN SYNDROME, TYPE I; Marfan syndrome type 1; Marfan's syndrome; Marfan syndrome, classic; FBN1-Related Marfan Syndrome. Identifiers: Orphanet 284963, Orphanet 558, MedGen C0024796, MONDO:0007947, OMIM 154700.
Familial thoracic aortic aneurysm and aortic dissection (TAAD). Also called: Thoracic aortic aneurysms and dissections. Identifiers: Orphanet 91387, MedGen C4707243, MONDO:0019625.

Submission:

Labcorp Genetics (formerly Invitae), Labcorp
Classification: Uncertain significance for Marfan syndrome; Familial thoracic aortic aneurysm and aortic dissection. Last evaluated: 2025-06-29. Review status: criteria provided, single submitter. Criteria: Invitae Variant Classification Sherloc (09022015). Collection method: clinical testing. Allele origin: germline.
Comment: This sequence change replaces methionine, which is neutral and non-polar, with threonine, which is neutral and polar, at codon 2705 of the FBN1 protein (p.Met2705Thr). This variant is not present in population databases (gnomAD no frequency). This variant has not been reported in the literature in individuals affected with FBN1-related conditions. ClinVar contains an entry for this variant (Variation ID: 3762527). Invitae Evidence Modeling of protein sequence and biophysical properties (such as structural, functional, and spatial information, amino acid conservation, physicochemical variation, residue mobility, and thermodynamic stability) indicates that this missense variant is not expected to disrupt FBN1 protein function with a negative predictive value of 95%. In summary, the available evidence is currently insufficient to determine the role of this variant in disease. Therefore, it has been classified as a Variant of Uncertain Significance.

NM_000138.5(FBN1):c.8114T>C (p.Met2705Thr)

Gene: FBN1 (fibrillin 1; minus strand). Cytogenetic location: 15q21.1.
Variant type: single nucleotide variant.
Coding change: c.8114T>C on transcript NM_000138.5 (MANE Select); coding-DNA position 8114, T replaced by C.
Protein change: p.Met2705Thr; replaces methionine 2705 with threonine.
Molecular consequence: missense variant.
Genome position (GRCh38, 1-based): chr15:48,412,681, A>G on the plus strand (T>C on the coding strand, the complement: FBN1 is on the minus strand). VCF-style: chr15-48412681-A-G. GRCh37 (hg19) VCF-style: chr15-48704878-A-G.
Other names: c.8114T>C, p.Met2705Thr (NM_001406716.1); short protein forms M2705T.
Identifiers: ClinVar variation 3762527 (VCV003762527.2).